The following is an entry in ClinVar:

ClinVar aggregate classification (germline): Uncertain significance (1 of 4 stars; one submission).

Conditions:
Xeroderma pigmentosum (XP). Identifiers: Orphanet 910, MedGen C0043346, MONDO:0019600.

Allele frequency attached by ClinVar (database versions not stated): gnomAD exomes below 0.00001 and 0.00002; ExAC 0.00003; TOPMed 0.00003; gnomAD 0.00004 and 0.00005; ESP Exome Variant Server 0.00008; 1000 Genomes Project 30x 0.00016; 1000 Genomes Project 0.00020.
gnomAD v4.1: 9 of 1,614,190 alleles (0.00056%); highest among the groups gnomAD compares: African/African-American, 0.012%; no homozygotes.

Submission:

Sema4
Classification: Uncertain significance for Xeroderma pigmentosum. Last evaluated: 2021-06-28. Review status: criteria provided, single submitter. Criteria: Sema4 Curation Guidelines. Collection method: curation. Allele origin: germline.
Comment: The ERCC4 c.2392C>G (p.L798V) variant has not been reported in the literature to our knowledge. It was observed in 6/24968 chromosomes of the African/African American subpopulation in the large and broad cohorts of the Genome Aggregation Database (PMID: 32461654). The variant has not been reported in ClinVar. In silico tools suggest the impact of the variant on protein function is inconclusive, though these predictions have not been confirmed by functional studies. The evidence is insufficient to meet ACMG/AMP criteria for classifying the variant as benign or pathogenic. Thus, the clinical significance of this variant is currently uncertain.

NM_005236.3(ERCC4):c.2392C>G (p.Leu798Val)

Gene: ERCC4 (ERCC excision repair 4, endonuclease catalytic subunit; plus strand). Cytogenetic location: 16p13.12.
Variant type: single nucleotide variant.
Coding change: c.2392C>G on transcript NM_005236.3 (MANE Select); coding-DNA position 2392, C replaced by G.
Protein change: p.Leu798Val; replaces leucine 798 with valine.
Molecular consequence: missense variant.
Genome position (GRCh38, 1-based): chr16:13,947,988, C>G. VCF-style: chr16-13947988-C-G. GRCh37 (hg19) VCF-style: chr16-14041845-C-G.
Other names: short protein forms L798V.
Identifiers: ClinVar variation 1692884 (VCV001692884.1), dbSNP rs369736388, ClinGen allele CA7910732.